The following is an entry in ClinVar:

NM_006662.3(SRCAP):c.89T>C (p.Val30Ala)

Gene: SRCAP (Snf2 related CREBBP activator protein; plus strand). Cytogenetic location: 16p11.2.
Variant type: single nucleotide variant.
Coding change: c.89T>C on transcript NM_006662.3 (MANE Select); coding-DNA position 89, T replaced by C.
Protein change: p.Val30Ala; replaces valine 30 with alanine.
Molecular consequence: missense variant.
Genome position (GRCh38, 1-based): chr16:30,704,098, T>C. VCF-style: chr16-30704098-T-C. GRCh37 (hg19) VCF-style: chr16-30715419-T-C.
Other names: short protein forms V30A.
Identifiers: ClinVar variation 4532596 (VCV004532596.1).

ClinVar aggregate classification (germline): Uncertain significance (1 of 4 stars; one submission).

Submission:

GeneDx
Classification: Uncertain significance. Last evaluated: 2025-05-27. Review status: criteria provided, single submitter. Criteria: GeneDx Variant Classification Process June 2021. Collection method: clinical testing. Allele origin: germline. Affected: yes.
Comment: Not observed at significant frequency in large population cohorts (gnomAD); In silico analysis supports that this missense variant has a deleterious effect on protein structure/function; Has not been previously published as pathogenic or benign to our knowledge